The following is an entry in ClinVar:

ClinVar aggregate classification (germline): Pathogenic/Likely pathogenic. Review status: criteria provided, multiple submitters, no conflicts (2 of 4 stars). 4 submissions from 4 submitters: Pathogenic (3); Likely pathogenic (1). Last evaluated 2025-11-10.

Conditions:
Cardiovascular phenotype. Identifiers: MedGen CN230736.
Hereditary cancer-predisposing syndrome. Also called: Hereditary neoplastic syndrome; Neoplastic Syndromes, Hereditary; Hereditary Cancer Syndrome; Tumor predisposition. Identifiers: Orphanet 140162, MedGen C0027672, MeSH D009386, MONDO:0015356.
Neurofibromatosis, type 1 (NF1). Also called: Neurofibromatosis, type I; Peripheral type neurofibromatosis; NEUROFIBROMATOSIS, TYPE I, SOMATIC; VON RECKLINGHAUSEN DISEASE. Identifiers: Orphanet 636, MedGen C0027831, MONDO:0018975, OMIM 162200. Disease mechanism: loss of function.
NF1-related disorder. Also called: NF1-related condition. Identifiers: MedGen CN379171.

Submissions (4):

Ambry Genetics
Classification: Pathogenic for Cardiovascular phenotype; Hereditary cancer-predisposing syndrome. Last evaluated: 2025-11-10. Review status: criteria provided, single submitter. Criteria: Ambry Variant Classification Scheme 2023. Collection method: clinical testing. Allele origin: germline.
Comment: The c.2338dupA pathogenic mutation, located in coding exon 20 of the NF1 gene, results from a duplication of A at nucleotide position 2338, causing a translational frameshift with a predicted alternate stop codon (p.T780Nfs*14). This variant is considered to be rare based on population cohorts in the Genome Aggregation Database (gnomAD). This alteration is expected to result in loss of function by premature protein truncation or nonsense-mediated mRNA decay. As such, this alteration is interpreted as a disease-causing mutation.

Labcorp Genetics (formerly Invitae), Labcorp
Classification: Pathogenic for Neurofibromatosis, type 1. Last evaluated: 2024-09-25. Review status: criteria provided, single submitter. Criteria: Invitae Variant Classification Sherloc (09022015). Collection method: clinical testing. Allele origin: germline.
Comment: This sequence change creates a premature translational stop signal (p.Thr780Asnfs*14) in the NF1 gene. It is expected to result in an absent or disrupted protein product. Loss-of-function variants in NF1 are known to be pathogenic (PMID: 10712197, 23913538). This variant is not present in population databases (gnomAD no frequency). This premature translational stop signal has been observed in individual(s) with NF1-related conditions (PMID: 21520333). ClinVar contains an entry for this variant (Variation ID: 569066). For these reasons, this variant has been classified as Pathogenic.

Institute for Biomarker Research, Medical Diagnostic Laboratories, L.L.C.
Classification: Pathogenic for Hereditary cancer-predisposing syndrome. Last evaluated: 2023-09-06. Review status: criteria provided, single submitter. Criteria: ACMG Guidelines, 2015. Collection method: clinical testing. Allele origin: germline.

Blueprint Genetics
Classification: Likely pathogenic for NF1-related disorders. Last evaluated: 2022-01-27. Review status: criteria provided, single submitter. Criteria: ACMG Guidelines, 2015. Collection method: clinical testing. Allele origin: germline. Affected: yes. Observed: 1 variant allele.

Literature cited by the submitters: PubMed 10712197 (cited by Labcorp Genetics (formerly Invitae), Labcorp); PubMed 23913538 (cited by Labcorp Genetics (formerly Invitae), Labcorp); PubMed 21520333 (cited by Labcorp Genetics (formerly Invitae), Labcorp).

NM_001042492.3(NF1):c.2338dup (p.Thr780fs)

Gene: NF1 (neurofibromin 1; plus strand). Cytogenetic location: 17q11.2.
Variant type: Duplication.
Coding change: c.2338dup on transcript NM_001042492.3 (MANE Select); coding-DNA position 2338, one base duplicated (A; older notation c.2338dupA).
Protein change: p.Thr780fs; shifts the reading frame from threonine 780.
Molecular consequence: frameshift variant.
Genome position (GRCh38, 1-based): chr17:31,227,535, A duplicated. VCF-style (leftmost placement, unchanged base first): chr17-31227534-T-TA. GRCh37 (hg19) VCF-style: chr17-29554552-T-TA.
Other names: c.2338dup, p.Thr780Asnfs (NM_000267.4); c.2338dupA (NM_000267.3); short protein forms T780fs.
Identifiers: ClinVar variation 569066 (VCV000569066.10), dbSNP rs1567848129, ClinGen allele CA891844367.